The following is an entry in ClinVar:

ClinVar aggregate classification (germline): Likely pathogenic (1 of 4 stars; one submission).

Conditions:
LAMA2-related muscular dystrophy (LAMA2-RD). Also called: Laminin alpha 2-related dystrophy. Identifiers: MedGen C5679788, MONDO:0100228.

Submission:

Labcorp Genetics (formerly Invitae), Labcorp
Classification: Likely pathogenic for LAMA2-related muscular dystrophy. Last evaluated: 2023-02-26. Review status: criteria provided, single submitter. Criteria: Invitae Variant Classification Sherloc (09022015). Collection method: clinical testing. Allele origin: unknown.
Comment: This variant results in a copy number gain of the genomic region encompassing exon(s) 3-53 of the LAMA2 gene. While the exact position of this variant cannot be determined from the data, sub-genic copy number gains are generally in tandem (PMID: 25640679). This variant is predicted to be out-of-frame, and may result in an absent or disrupted protein product. Loss-of-function variants in LAMA2 are known to be pathogenic (PMID: 18700894, 32904964). This variant has not been reported in the literature in individuals affected with LAMA2-related conditions. Experimental studies and prediction algorithms are not available or were not evaluated, and the functional significance of this variant is currently unknown. In summary, the currently available evidence indicates that the variant is pathogenic, but additional data are needed to prove that conclusively. Therefore, this variant has been classified as Likely Pathogenic.

Literature cited by the submitters: PubMed 25640679; PubMed 18700894; PubMed 32904964.

NC_000006.11:g.(?_129380909)_(129796566_?)dup

Gene: LAMA2 (laminin subunit alpha 2; plus strand). Cytogenetic location: 6q22.33.
Variant type: Duplication.
Identifiers: ClinVar variation 3246070 (VCV003246070.1).